The following is an entry in ClinVar:

ClinVar aggregate classification (germline): Uncertain significance. Review status: criteria provided, multiple submitters, no conflicts (2 of 4 stars). 2 submissions from 2 submitters: Uncertain significance (2). Last evaluated 2025-04-14.

Conditions:
Sitosterolemia (STSL). Also called: PHYTOSTEROLEMIA. Identifiers: Orphanet 2882, MedGen C0342907, MONDO:0008863.

Allele frequency attached by ClinVar (database versions not stated): gnomAD exomes below 0.00001.
gnomAD v4.1: 4 of 1,614,220 alleles (0.00025%); highest among the groups gnomAD compares: Admixed American, 0.005%; no homozygotes.

Submissions (2):

Women's Health and Genetics/Laboratory Corporation of America, LabCorp
Classification: Uncertain significance. Last evaluated: 2025-04-14. Review status: criteria provided, single submitter. Criteria: LabCorp Variant Classification Summary - May 2015. Collection method: clinical testing. Allele origin: germline.

Labcorp Genetics (formerly Invitae), Labcorp
Classification: Uncertain significance for Sitosterolemia. Last evaluated: 2023-12-21. Review status: criteria provided, single submitter. Criteria: Invitae Variant Classification Sherloc (09022015). Collection method: clinical testing. Allele origin: germline.
Comment: This sequence change replaces lysine, which is basic and polar, with glutamic acid, which is acidic and polar, at codon 330 of the ABCG5 protein (p.Lys330Glu). This variant is not present in population databases (gnomAD no frequency). This variant has not been reported in the literature in individuals affected with ABCG5-related conditions. An algorithm developed to predict the effect of missense changes on protein structure and function (PolyPhen-2) suggests that this variant is likely to be tolerated. In summary, the available evidence is currently insufficient to determine the role of this variant in disease. Therefore, it has been classified as a Variant of Uncertain Significance.

NM_022436.3(ABCG5):c.988A>G (p.Lys330Glu)

Genes: ABCG5 (ATP binding cassette subfamily G member 5; minus strand), DYNC2LI1 (dynein cytoplasmic 2 light intermediate chain 1; plus strand). Cytogenetic location: 2p21.
Variant type: single nucleotide variant.
Coding change: c.988A>G on transcript NM_022436.3 (MANE Select); coding-DNA position 988, A replaced by G.
Protein change: p.Lys330Glu; replaces lysine 330 with glutamic acid.
Molecular consequence: missense variant. On other transcripts: intron variant (2).
Genome position (GRCh38, 1-based): chr2:43,824,349, T>C on the plus strand (A>G on the coding strand, the complement: ABCG5 is on the minus strand). VCF-style: chr2-43824349-T-C. GRCh37 (hg19) VCF-style: chr2-44051488-T-C.
Other names: c.*16-3037T>C (NM_001348913.2, NM_001348912.2); short protein forms K330E.
Identifiers: ClinVar variation 2910317 (VCV002910317.5), dbSNP rs2466006754, ClinGen allele CA346664749.